The following is an entry in ClinVar:

NM_006063.3(KLHL41):c.1566G>A (p.Trp522Ter)

Gene: KLHL41 (kelch like family member 41; plus strand). Cytogenetic location: 2q31.1.
Variant type: single nucleotide variant.
Coding change: c.1566G>A on transcript NM_006063.3 (MANE Select); coding-DNA position 1566, G replaced by A.
Protein change: p.Trp522Ter; replaces tryptophan 522 with a stop codon.
Molecular consequence: nonsense.
Genome position (GRCh38, 1-based): chr2:169,520,864, G>A. VCF-style: chr2-169520864-G-A. GRCh37 (hg19) VCF-style: chr2-170377374-G-A.
Other names: short protein forms W522*.
Identifiers: ClinVar variation 1071146 (VCV001071146.7), dbSNP rs2105312506, ClinGen allele CA349179660.

ClinVar aggregate classification (germline): Pathogenic (1 of 4 stars; one submission).

Conditions:
Nemaline myopathy 9 (NEM9). Identifiers: MedGen C3810384, MONDO:0014326, OMIM 615731.

Submission:

Labcorp Genetics (formerly Invitae), Labcorp
Classification: Pathogenic for Nemaline myopathy 9. Last evaluated: 2022-07-19. Review status: criteria provided, single submitter. Criteria: Invitae Variant Classification Sherloc (09022015). Collection method: clinical testing. Allele origin: germline.
Comment: For these reasons, this variant has been classified as Pathogenic. ClinVar contains an entry for this variant (Variation ID: 1071146). This variant has not been reported in the literature in individuals affected with KLHL41-related conditions. This variant is not present in population databases (gnomAD no frequency). This sequence change creates a premature translational stop signal (p.Trp522*) in the KLHL41 gene. It is expected to result in an absent or disrupted protein product. Loss-of-function variants in KLHL41 are known to be pathogenic (PMID: 24268659).

Literature cited by the submitters: PubMed 24268659.